The following is an entry in ClinVar:

ClinVar aggregate classification (germline): Uncertain significance. Review status: criteria provided, multiple submitters, no conflicts (2 of 4 stars). 2 submissions from 2 submitters: Uncertain significance (2). Last evaluated 2025-11-11.

Conditions:
Inborn genetic diseases. Identifiers: MedGen C0950123, MeSH D030342.
Hypokalemic periodic paralysis, type 1. Also called: Hypokalemic Periodic Paralysis Type 1 (AD); HypoPP. Identifiers: Orphanet 681, MedGen C3714580, MONDO:0042979, OMIM 170400.
Malignant hyperthermia, susceptibility to, 5 (MHS5). Also called: CACNA1S-Related Malignant Hyperthermia Susceptibility. Identifiers: Orphanet 423, MedGen C1866077, MONDO:0011163, OMIM 601887.

Submissions (2):

Ambry Genetics
Classification: Uncertain significance for Inborn genetic diseases. Last evaluated: 2025-11-11. Review status: criteria provided, single submitter. Criteria: Ambry Variant Classification Scheme 2023. Collection method: clinical testing. Allele origin: germline.

Labcorp Genetics (formerly Invitae), Labcorp
Classification: Uncertain significance for Hypokalemic periodic paralysis, type 1; Malignant hyperthermia, susceptibility to, 5. Last evaluated: 2024-07-02. Review status: criteria provided, single submitter. Criteria: Invitae Variant Classification Sherloc (09022015). Collection method: clinical testing. Allele origin: germline.
Comment: This sequence change replaces isoleucine, which is neutral and non-polar, with phenylalanine, which is neutral and non-polar, at codon 189 of the CACNA1S protein (p.Ile189Phe). This variant is not present in population databases (gnomAD no frequency). This variant has not been reported in the literature in individuals affected with CACNA1S-related conditions. Advanced modeling of protein sequence and biophysical properties (such as structural, functional, and spatial information, amino acid conservation, physicochemical variation, residue mobility, and thermodynamic stability) performed at Invitae indicates that this missense variant is expected to disrupt CACNA1S protein function with a positive predictive value of 80%. In summary, the available evidence is currently insufficient to determine the role of this variant in disease. Therefore, it has been classified as a Variant of Uncertain Significance.

NM_000069.3(CACNA1S):c.565A>T (p.Ile189Phe)

Gene: CACNA1S (calcium voltage-gated channel subunit alpha1 S; minus strand). Cytogenetic location: 1q32.1.
Variant type: single nucleotide variant.
Coding change: c.565A>T on transcript NM_000069.3 (MANE Select); coding-DNA position 565, A replaced by T.
Protein change: p.Ile189Phe; replaces isoleucine 189 with phenylalanine.
Molecular consequence: missense variant.
Genome position (GRCh38, 1-based): chr1:201,091,769, T>A on the plus strand (A>T on the coding strand, the complement: CACNA1S is on the minus strand). VCF-style: chr1-201091769-T-A. GRCh37 (hg19) VCF-style: chr1-201060897-T-A.
Other names: c.565A>T (NM_000069.2); short protein forms I189F.
Identifiers: ClinVar variation 3762497 (VCV003762497.3).